The following is an entry in ClinVar:

ClinVar aggregate classification (germline): Uncertain significance. Review status: criteria provided, multiple submitters, no conflicts (2 of 4 stars). 3 submissions from 3 submitters: Uncertain significance (3). Last evaluated 2023-09-01.

Conditions:
Inborn genetic diseases. Identifiers: MedGen C0950123, MeSH D030342.
Hereditary spherocytosis type 5. Also called: EPB42-Related Spherocytosis; EPB42-Related Hereditary Spherocytosis. Identifiers: Orphanet 822, MedGen C2675192, MONDO:0012985, OMIM 612690.

Allele frequency attached by ClinVar (database versions not stated): gnomAD exomes 0.00002; TOPMed 0.00005; ExAC 0.00007; gnomAD 0.00007; ESP Exome Variant Server 0.00015.
gnomAD v4.1: 45 of 1,613,666 alleles (0.0028%); highest among the groups gnomAD compares: African/African-American, 0.013%; no homozygotes.

Submissions (3):

Mayo Clinic Laboratories, Mayo Clinic
Classification: Uncertain significance. Last evaluated: 2023-09-01. Review status: criteria provided, single submitter. Criteria: ACMG Guidelines, 2015. Collection method: clinical testing. Allele origin: germline. Observed: 1 variant allele.
Comment: BP4, PM2_moderate

Ambry Genetics
Classification: Uncertain significance for Inborn genetic diseases. Last evaluated: 2023-07-25. Review status: criteria provided, single submitter. Criteria: Ambry Variant Classification Scheme 2023. Collection method: clinical testing. Allele origin: germline.

Revvity Omics, Revvity
Classification: Uncertain significance for Hereditary spherocytosis type 5. Last evaluated: 2023-01-09. Review status: criteria provided, single submitter. Criteria: ACMG Guidelines, 2015. Collection method: clinical testing. Allele origin: germline.

NM_001114134.2(EPB42):c.1696G>A (p.Ala566Thr)

Gene: EPB42 (erythrocyte membrane protein band 4.2; minus strand). Cytogenetic location: 15q15.2.
Variant type: single nucleotide variant.
Coding change: c.1696G>A on transcript NM_001114134.2 (MANE Select); coding-DNA position 1696, G replaced by A.
Protein change: p.Ala566Thr; replaces alanine 566 with threonine.
Molecular consequence: missense variant.
Genome position (GRCh38, 1-based): chr15:43,203,198, C>T on the plus strand (G>A on the coding strand, the complement: EPB42 is on the minus strand). VCF-style: chr15-43203198-C-T. GRCh37 (hg19) VCF-style: chr15-43495396-C-T.
Other names: p.Ala596Thr; c.1786G>A, p.Ala596Thr (NM_000119.3); c.1786G>A (NM_000119.2); short protein forms A566T, A596T.
Identifiers: ClinVar variation 2441260 (VCV002441260.6), dbSNP rs376680136, ClinGen allele CA7520240.